The following is an entry in ClinVar:

ClinVar aggregate classification (germline): Uncertain significance. Review status: criteria provided, multiple submitters, no conflicts (2 of 4 stars). 2 submissions from 2 submitters: Uncertain significance (2). Last evaluated 2025-06-18.

Conditions:
Inborn genetic diseases. Identifiers: MedGen C0950123, MeSH D030342.
Atrioventricular septal defect 5 (AVSD5). Identifiers: MedGen C3280939, MONDO:0013769, OMIM 614474.

gnomAD v4.1: 1 of 1,223,444 alleles (0.000082%); no homozygotes.

Submissions (2):

Ambry Genetics
Classification: Uncertain significance for Inborn genetic diseases. Last evaluated: 2025-06-18. Review status: criteria provided, single submitter. Criteria: Ambry Variant Classification Scheme 2023. Collection method: clinical testing. Allele origin: germline.

Labcorp Genetics (formerly Invitae), Labcorp
Classification: Uncertain significance for Atrioventricular septal defect 5. Last evaluated: 2024-05-31. Review status: criteria provided, single submitter. Criteria: Invitae Variant Classification Sherloc (09022015). Collection method: clinical testing. Allele origin: germline.
Comment: This sequence change replaces glycine, which is neutral and non-polar, with alanine, which is neutral and non-polar, at codon 281 of the GATA6 protein (p.Gly281Ala). This variant is not present in population databases (gnomAD no frequency). This variant has not been reported in the literature in individuals affected with GATA6-related conditions. ClinVar contains an entry for this variant (Variation ID: 1352138). Advanced modeling of protein sequence and biophysical properties (such as structural, functional, and spatial information, amino acid conservation, physicochemical variation, residue mobility, and thermodynamic stability) performed at Invitae indicates that this missense variant is not expected to disrupt GATA6 protein function with a negative predictive value of 80%. In summary, the available evidence is currently insufficient to determine the role of this variant in disease. Therefore, it has been classified as a Variant of Uncertain Significance.

NM_005257.6(GATA6):c.842G>C (p.Gly281Ala)

Gene: GATA6 (GATA binding protein 6; plus strand). Cytogenetic location: 18q11.2.
Variant type: single nucleotide variant.
Coding change: c.842G>C on transcript NM_005257.6 (MANE Select); coding-DNA position 842, G replaced by C.
Protein change: p.Gly281Ala; replaces glycine 281 with alanine.
Molecular consequence: missense variant.
Genome position (GRCh38, 1-based): chr18:22,171,986, G>C. VCF-style: chr18-22171986-G-C. GRCh37 (hg19) VCF-style: chr18-19751947-G-C.
Other names: c.842G>C (NM_005257.3); short protein forms G281A.
Identifiers: ClinVar variation 1352138 (VCV001352138.9), dbSNP rs2143277659, ClinGen allele CA401801068.